The following is an entry in ClinVar:

NM_000046.5(ARSB):c.64dup (p.Val22fs)

Genes: ARSB (arylsulfatase B; minus strand), LOC129994126 (ATAC-STARR-seq lymphoblastoid silent region 16127; plus strand). Cytogenetic location: 5q14.1.
Variant type: Duplication.
Coding change: c.64dup on transcript NM_000046.5 (MANE Select); coding-DNA position 64, one base duplicated (G; older notation c.64dupG).
Protein change: p.Val22fs; shifts the reading frame from valine 22.
Molecular consequence: frameshift variant.
Genome position (GRCh38, 1-based): chr5:78,985,185, C duplicated on the plus strand (G on the coding strand, the reverse complement: ARSB is on the minus strand). VCF-style (leftmost placement, unchanged base first): chr5-78985184-A-AC. GRCh37 (hg19) VCF-style: chr5-78281007-A-AC.
Other names: c.64dup (NM_000046.4); c.64dup, p.Val22fs (NM_198709.3); short protein forms V22fs.
Identifiers: ClinVar variation 1445202 (VCV001445202.8), dbSNP rs2112583680, ClinGen allele CA2573139839.

ClinVar aggregate classification (germline): Pathogenic/Likely pathogenic. Review status: criteria provided, multiple submitters, no conflicts (2 of 4 stars). 2 submissions from 2 submitters: Pathogenic (1); Likely pathogenic (1). Last evaluated 2025-04-30.

Conditions:
Mucopolysaccharidosis type 6 (MPS6). Also called: MPS VI; N-ACETYLGALACTOSAMINE-4-SULFATASE DEFICIENCY; ARSB DEFICIENCY; ARYLSULFATASE B DEFICIENCY; MPS 6; Maroteaux Lamy syndrome. Identifiers: Orphanet 583, MedGen C0026709, MONDO:0009661, OMIM 253200.

Submissions (2):

Natera, Inc.
Classification: Likely pathogenic for Mucopolysaccharidosis type VI. Last evaluated: 2025-04-30. Review status: criteria provided, single submitter. Criteria: Natera Variant Classification Schema (03/2026). Collection method: clinical testing. Allele origin: germline.
Comment: The c.64dup variant in ARSB is a frameshift variant predicted to shift the reading frame beginning at codon 22 and leads to a stop codon 105 codons downstream. This variant is expected to result in nonsense mediated decay, truncation, or a dysfunctional protein product. This variant is rare in the general population with a frequency below the threshold expected for the associated phenotype(s). Given the available evidence, this variant is classified as Likely Pathogenic.

Labcorp Genetics (formerly Invitae), Labcorp
Classification: Pathogenic for Mucopolysaccharidosis type 6. Last evaluated: 2021-05-01. Review status: criteria provided, single submitter. Criteria: Invitae Variant Classification Sherloc (09022015). Collection method: clinical testing. Allele origin: germline.
Comment: This variant has not been reported in the literature in individuals with ARSB-related conditions. For these reasons, this variant has been classified as Pathogenic. The frequency data for this variant in the population databases is considered unreliable, as metrics indicate insufficient coverage at this position in the ExAC database. This sequence change creates a premature translational stop signal (p.Val22Glyfs*105) in the ARSB gene. It is expected to result in an absent or disrupted protein product. Loss-of-function variants in ARSB are known to be pathogenic (PMID: 17458871, 22133300).

Literature cited by the submitters: PubMed 17458871 (cited by Labcorp Genetics (formerly Invitae), Labcorp); PubMed 22133300 (cited by Labcorp Genetics (formerly Invitae), Labcorp).